The following is an entry in ClinVar:

NM_000376.3(VDR):c.200G>A (p.Arg67His)

Gene: VDR (vitamin D receptor; minus strand). Cytogenetic location: 12q13.11.
Variant type: single nucleotide variant.
Coding change: c.200G>A on transcript NM_000376.3 (MANE Select); coding-DNA position 200, G replaced by A.
Protein change: p.Arg67His; replaces arginine 67 with histidine.
Molecular consequence: missense variant.
Genome position (GRCh38, 1-based): chr12:47,865,124, C>T on the plus strand (G>A on the coding strand, the complement: VDR is on the minus strand). VCF-style: chr12-47865124-C-T. GRCh37 (hg19) VCF-style: chr12-48258907-C-T.
Other names: c.200G>A, p.Arg67His (NM_001017535.2, NM_001364085.2, NM_001374661.1 and 1 more transcripts); c.350G>A, p.Arg117His (NM_001017536.2); short protein forms R117H, R67H.
Identifiers: ClinVar variation 1009301 (VCV001009301.6), dbSNP rs753383761, ClinGen allele CA6534001.

ClinVar aggregate classification (germline): Uncertain significance (1 of 4 stars; one submission).

Allele frequency attached by ClinVar (database versions not stated): ExAC 0.00001.
gnomAD v4.1: 36 of 1,613,710 alleles (0.0022%); highest among the groups gnomAD compares: Non-Finnish European, 0.0028%; no homozygotes.

Submission:

Labcorp Genetics (formerly Invitae), Labcorp
Classification: Uncertain significance. Last evaluated: 2021-08-30. Review status: criteria provided, single submitter. Criteria: Invitae Variant Classification Sherloc (09022015). Collection method: clinical testing. Allele origin: germline.
Comment: This sequence change replaces arginine with histidine at codon 67 of the VDR protein (p.Arg67His). The arginine residue is moderately conserved and there is a small physicochemical difference between arginine and histidine. This variant is present in population databases (rs753383761, ExAC 0.001%). This variant has not been reported in the literature in individuals affected with VDR-related conditions. Algorithms developed to predict the effect of missense changes on protein structure and function output the following: SIFT: "Deleterious"; PolyPhen-2: "Benign"; Align-GVGD: "Class C0". The histidine amino acid residue is found in multiple mammalian species, which suggests that this missense change does not adversely affect protein function. In summary, the available evidence is currently insufficient to determine the role of this variant in disease. Therefore, it has been classified as a Variant of Uncertain Significance.